The following is an entry in ClinVar:

NM_000256.3(MYBPC3):c.776C>G (p.Ala259Gly)

Gene: MYBPC3 (myosin binding protein C3; minus strand). Cytogenetic location: 11p11.2.
Variant type: single nucleotide variant.
Coding change: c.776C>G on transcript NM_000256.3 (MANE Select); coding-DNA position 776, C replaced by G.
Protein change: p.Ala259Gly; replaces alanine 259 with glycine.
Molecular consequence: missense variant.
Genome position (GRCh38, 1-based): chr11:47,347,902, G>C on the plus strand (C>G on the coding strand, the complement: MYBPC3 is on the minus strand). VCF-style: chr11-47347902-G-C. GRCh37 (hg19) VCF-style: chr11-47369453-G-C.
Other names: c.776C>G, p.Ala259Gly (LRG_386t1); short protein forms A259G.
Identifiers: ClinVar variation 626781 (VCV000626781.10), dbSNP rs187455402, ClinGen allele CA380333986.
Genomic context (GRCh38, chr11:47,347,902, plus strand): 5'-AGGATGGCCACTCACGTGCGGCGGAAGGCTGATAGGAGGTCCAGGTCTCCGGTGCCCATG[G>C]CCTCTGGGTTCAAAGGGTGGAGAGATGGGGGAAGGGGCTTCAGAGGGGGCCGTTTGAGAA-3'
Protein context (NP_000247.2, residues 249-269): CSNFNLTVHE[Ala259Gly]MGTGDLDLLS

ClinVar aggregate classification (germline): Uncertain significance. Review status: criteria provided, multiple submitters, no conflicts (2 of 4 stars). 6 submissions from 6 submitters: Uncertain significance (6). Last evaluated 2026-03-09.

Conditions:
Cardiovascular phenotype. Identifiers: MedGen CN230736.
Hypertrophic cardiomyopathy. Also called: HYPERTROPHIC MYOCARDIOPATHY. Identifiers: Orphanet 217569, MedGen C0007194, MeSH D002312, MONDO:0005045, HP:0001639.
Cardiomyopathy (CMYO). Also called: Cardiomyopathies. Identifiers: Orphanet 167848, MedGen C0878544, MONDO:0004994, HP:0001638. Inheritance: Various modes of inheritance.

Submissions (6):

GeneDx
Classification: Uncertain significance. Last evaluated: 2026-03-09. Review status: criteria provided, single submitter. Criteria: GeneDx Variant Classification Process June 2021. Collection method: clinical testing. Allele origin: germline.
Comment: Not observed at significant frequency in large population cohorts (gnomAD); In silico analysis supports that this missense variant has a deleterious effect on protein structure/function; Has not been previously published as pathogenic or benign to our knowledge

Labcorp Genetics (formerly Invitae), Labcorp
Classification: Uncertain significance for Hypertrophic cardiomyopathy. Last evaluated: 2026-01-08. Review status: criteria provided, single submitter. Criteria: Invitae Variant Classification Sherloc (09022015). Collection method: clinical testing. Allele origin: germline.
Comment: This sequence change replaces alanine, which is neutral and non-polar, with glycine, which is neutral and non-polar, at codon 259 of the MYBPC3 protein (p.Ala259Gly). This variant is not present in population databases (gnomAD no frequency). This variant has not been reported in the literature in individuals affected with MYBPC3-related conditions. ClinVar contains an entry for this variant (Variation ID: 626781). An algorithm developed to predict the effect of missense changes on protein structure and function (PolyPhen-2) suggests that this variant is likely to be tolerated. In summary, the available evidence is currently insufficient to determine the role of this variant in disease. Therefore, it has been classified as a Variant of Uncertain Significance.

Molecular Diagnostic Laboratory for Inherited Cardiovascular Disease, Montreal Heart Institute
Classification: Uncertain significance for Cardiovascular phenotype. Last evaluated: 2025-04-08. Review status: criteria provided, single submitter. Criteria: ACMG Guidelines, 2015. Collection method: clinical testing. Allele origin: germline. Affected: yes.
Comment: PM2, BP4

Blueprint Genetics
Classification: Uncertain significance. Last evaluated: 2024-11-04. Review status: criteria provided, single submitter. Criteria: ACMG Guidelines, 2015. Collection method: clinical testing. Allele origin: germline.

Color Diagnostics, LLC DBA Color Health
Classification: Uncertain significance for Cardiomyopathy. Last evaluated: 2024-03-06. Review status: criteria provided, single submitter. Criteria: ACMG Guidelines, 2015. Collection method: clinical testing. Allele origin: germline.
Comment: This missense variant replaces alanine with glycine at codon 259 of the MYBPC3 protein. Computational prediction suggests that this variant may not impact protein structure and function (internally defined REVEL score threshold <= 0.5, PMID: 27666373). To our knowledge, functional studies have not been reported for this variant. This variant has not been reported in individuals affected with cardiovascular disorders in the literature. This variant has not been identified in the general population by the Genome Aggregation Database (gnomAD). The available evidence is insufficient to determine the role of this variant in disease conclusively. Therefore, this variant is classified as a Variant of Uncertain Significance.

CHEO Genetics Diagnostic Laboratory, Children's Hospital of Eastern Ontario
Classification: Uncertain significance for Cardiomyopathy. Last evaluated: 2017-09-18. Review status: criteria provided, single submitter. Criteria: ACMG Guidelines, 2015. Collection method: clinical testing. Allele origin: germline. Study: Canadian Open Genetics Repository.